The following continues an entry in ClinVar:

NM_000535.7(PMS2):c.620G>A (p.Gly207Glu)

Gene: PMS2. ClinVar aggregate classification (germline): Conflicting classifications of pathogenicity. Uncertain significance (7); Benign (6); Likely benign (6).

Submissions 17 to 20 of 20:

Laboratory for Molecular Medicine, Mass General Brigham Personalized Medicine
Classification: Uncertain significance. Last evaluated: 2017-01-24. Review status: criteria provided, single submitter. Criteria: LMM Criteria. Collection method: clinical testing. Allele origin: germline.
Comment: Variant identified in a genome or exome case(s) and assessed due to predicted null impact of the variant or pathogenic assertions in the literature or databases. Disclaimer: This variant has not undergone full assessment. The following are preliminary notes: This variant is classified as DM in HGMD and has been seen in one person with colorectal cancer. It is present in gnomAD at a Max MAF of 0.19% (61/30900 South Asian chrs - too high for disease incidence). It is classified in ClinVar with 1 star as VUS by GeneDx, Ambry, and CSER_CC_NCGL, and as Likely Benign by Invitae.

Color Diagnostics, LLC DBA Color Health
Classification: Benign for Hereditary cancer-predisposing syndrome. Last evaluated: 2016-07-07. Review status: criteria provided, single submitter. Criteria: ACMG Guidelines, 2015. Collection method: clinical testing. Allele origin: germline.

CSER _CC_NCGL, University of Washington
Classification: Uncertain significance for Colon polyps. Last evaluated: 2015-07-01. Review status: criteria provided, single submitter. Criteria: Amendola et al. (Genome Res. 2015). Collection method: research. Allele origin: germline. Affected: yes. Study: CSER - NEXT Medicine variant annotation.
Comment: This interpretation considers GERP score and allele frequency data, in addition to published reports of the variant in the literature, available at the time of review.

Department of Pathology and Laboratory Medicine, Sinai Health System
Classification: Uncertain significance for Endometrial carcinoma. Review status: no assertion criteria provided. Collection method: clinical testing. Allele origin: unknown. Affected: yes. Study: The Canadian Open Genetics Repository (COGR). Not counted in ClinVar's aggregate classification.
Comment: The PMS2 p.Gly207Glu variant was identified in 1 of 1184 proband chromosome (frequency: 0.0008) from individuals or families with Hereditary Non-Polyposis Colorectal Cancer and was not identified in 496 control chromosomes from healthy individuals (Montazer Haghighi 2009). In the same publication the patient who carried the p.Gly207Glu variant had a tumor that was negative for PMS2 IHC but was MSI-high suggesting that the variant may have clinical significance (Montazer Haghighi 2009). The variant was also identified in dbSNP (ID: rs374704824 as "With Uncertain significance, other allele"), ClinVar (6x as uncertain significance and 2x as likely benign), Cosmic (as a somatic mutation in squamous cell carcinoma), and Insight Hereditary Tumors Database (as Unknown). The variant was not identified in MutDB, Zhejiang Colon Cancer Database, or Mismatch Repair Genes Variant Database. The variant was identified in control databases in 96 of 277222 chromosomes at a frequency of 0.0003 increasing the likelihood this could be a low frequency benign variant (Genome Aggregation Database Feb 27, 2017). The variant was identified in the following populations: African in 1 of 24032 chromosomes (freq: 0.00004), European Non-Finnish in 33 of 126724 chromosomes (freq: 0.0003), and South Asian in 62 of 30782 chromosomes (freq: 0.002) and was not observed in the Other, Latino, Ashkenazi Jewish, East Asian, or Finnish populations. An in vitro assay showed that a recombinant protein with the p.Gly207Glu variant was positive for MMR activity also suggesting that the variant does not have clinical significance (Drost 2013). The p.Gly207 residue is conserved in mammals and computational analyses (PolyPhen-2, SIFT, AlignGVGD, BLOSUM, MutationTaster) provide inconsistent predictions regarding the impact to the protein; this information is not reliably predictive of pathogenicity. The variant occurs outside of the splicing consensus sequence and 5 of 5 in silico or computational prediction software programs (SpliceSiteFinder, MaxEntScan, NNSPLICE, GeneSplicer, HumanSpliceFinder) do not predict a difference in splicing. In summary, given the conflicting evidence, the clinical significance of this variant cannot be determined with certainty at this time. This variant is classified as a variant of uncertain significance.

Literature cited by the submitters: PubMed 19479271 (cited by 6 submitters); PubMed 24027009 (cited by 6 submitters); PubMed 28975465 (cited by 4 submitters); PubMed 30653781 (cited by 3 submitters); PubMed 31992580 (cited by Mayo Clinic Laboratories, Mayo Clinic and Quest Diagnostics Nichols Institute San Juan Capistrano); PubMed 34326862 (cited by Mayo Clinic Laboratories, Mayo Clinic); PubMed 25637381 (cited by 3 submitters); PubMed 30651582 (cited by Sema4 and Quest Diagnostics Nichols Institute San Juan Capistrano); PubMed 31159747 (cited by Sema4 and Quest Diagnostics Nichols Institute San Juan Capistrano); PubMed 25503501 (cited by 4 submitters); PubMed 25186627 (cited by Women's Health and Genetics/Laboratory Corporation of America, LabCorp and Quest Diagnostics Nichols Institute San Juan Capistrano); PubMed 25938944 (cited by Women's Health and Genetics/Laboratory Corporation of America, LabCorp); PubMed 26689913 (cited by Women's Health and Genetics/Laboratory Corporation of America, LabCorp and Quest Diagnostics Nichols Institute San Juan Capistrano); PubMed 29785153 (cited by 3 submitters); PubMed 31391288 (cited by Women's Health and Genetics/Laboratory Corporation of America, LabCorp); PubMed 28873162 (cited by Quest Diagnostics Nichols Institute San Juan Capistrano).